The following is an entry in ClinVar:

NM_199420.4(POLQ):c.6947A>G (p.His2316Arg)

Gene: POLQ (DNA polymerase theta; minus strand). Cytogenetic location: 3q13.33.
Variant type: single nucleotide variant.
Coding change: c.6947A>G on transcript NM_199420.4 (MANE Select); coding-DNA position 6947, A replaced by G.
Protein change: p.His2316Arg; replaces histidine 2316 with arginine.
Molecular consequence: missense variant.
Genome position (GRCh38, 1-based): chr3:121,467,539, T>C on the plus strand (A>G on the coding strand, the complement: POLQ is on the minus strand). VCF-style: chr3-121467539-T-C. GRCh37 (hg19) VCF-style: chr3-121186386-T-C.
Other names: short protein forms H2316R.
Identifiers: ClinVar variation 2547056 (VCV002547056.3), dbSNP rs899400925, ClinGen allele CA354109731.

ClinVar aggregate classification (germline): Uncertain significance (1 of 4 stars; one submission).

Allele frequency attached by ClinVar (database versions not stated): gnomAD 0.00001.

Submission:

Ambry Genetics
Classification: Uncertain significance. Last evaluated: 2024-05-23. Review status: criteria provided, single submitter. Criteria: Ambry Variant Classification Scheme 2023. Collection method: clinical testing. Allele origin: germline.
Comment: The p.H2316R variant (also known as c.6947A>G), located in coding exon 24 of the POLQ gene, results from an A to G substitution at nucleotide position 6947. The histidine at codon 2316 is replaced by arginine, an amino acid with highly similar properties. This amino acid position is conserved. In addition, the in silico prediction for this alteration is inconclusive. Based on the available evidence, the clinical significance of this variant remains unclear.